The following is an entry in ClinVar:

NM_004153.4(ORC1):c.2242A>C (p.Ile748Leu)

Gene: ORC1 (origin recognition complex subunit 1; minus strand). Cytogenetic location: 1p32.3.
Variant type: single nucleotide variant.
Coding change: c.2242A>C on transcript NM_004153.4 (MANE Select); coding-DNA position 2242, A replaced by C.
Protein change: p.Ile748Leu; replaces isoleucine 748 with leucine.
Molecular consequence: missense variant.
Genome position (GRCh38, 1-based): chr1:52,375,491, T>G on the plus strand (A>C on the coding strand, the complement: ORC1 is on the minus strand). VCF-style: chr1-52375491-T-G. GRCh37 (hg19) VCF-style: chr1-52841163-T-G.
Other names: c.2242A>C, p.Ile748Leu (NM_001190818.2); c.2227A>C, p.Ile743Leu (NM_001190819.2); short protein forms I748L, I743L.
Identifiers: ClinVar variation 3686441 (VCV003686441.2).

ClinVar aggregate classification (germline): Uncertain significance (1 of 4 stars; one submission).

gnomAD v4.1: 1 of 1,614,166 alleles (0.000062%); highest among the groups gnomAD compares: Middle Eastern, 0.016%; no homozygotes.

Submission:

Labcorp Genetics (formerly Invitae), Labcorp
Classification: Uncertain significance. Last evaluated: 2024-08-08. Review status: criteria provided, single submitter. Criteria: Invitae Variant Classification Sherloc (09022015). Collection method: clinical testing. Allele origin: germline.
Comment: This sequence change replaces isoleucine, which is neutral and non-polar, with leucine, which is neutral and non-polar, at codon 748 of the ORC1 protein (p.Ile748Leu). This variant is not present in population databases (gnomAD no frequency). This variant has not been reported in the literature in individuals affected with ORC1-related conditions. Advanced modeling of protein sequence and biophysical properties (such as structural, functional, and spatial information, amino acid conservation, physicochemical variation, residue mobility, and thermodynamic stability) performed at Invitae indicates that this missense variant is not expected to disrupt ORC1 protein function with a negative predictive value of 80%. In summary, the available evidence is currently insufficient to determine the role of this variant in disease. Therefore, it has been classified as a Variant of Uncertain Significance.